The following is an entry in ClinVar:

NM_021830.5(TWNK):c.787A>T (p.Thr263Ser)

Gene: TWNK (twinkle mtDNA helicase; plus strand). Cytogenetic location: 10q24.31.
Variant type: single nucleotide variant.
Coding change: c.787A>T on transcript NM_021830.5 (MANE Select); coding-DNA position 787, A replaced by T.
Protein change: p.Thr263Ser; replaces threonine 263 with serine.
Molecular consequence: missense variant. On other transcripts: non-coding transcript variant (4), intron variant (3).
Genome position (GRCh38, 1-based): chr10:100,988,997, A>T. VCF-style: chr10-100988997-A-T. GRCh37 (hg19) VCF-style: chr10-102748754-A-T.
Other names: c.787A>T, p.Thr263Ser (NM_001163812.2); c.-119-647A>T (NM_001163814.2, NM_001163813.2); c.-57-709A>T (NM_001368275.1); short protein forms T263S.
Identifiers: ClinVar variation 2804656 (VCV002804656.3), dbSNP rs2493631026, ClinGen allele CA378208462.
Genomic context (GRCh38, chr10:100,988,997, plus strand): 5'-GCCTACCACAATCTGTTTGGATTACCACTGATTAGTCGTCGAGATGCTGAGGTGGTACTG[A>T]CGAGTCGTGAGCTTGACAGCCTGGCCTTGAACCAGTCCACGGGGCTGCCTACCCTTACTC-3'
Protein context (NP_068602.2, residues 253-273): ISRRDAEVVL[Thr263Ser]SRELDSLALN

ClinVar aggregate classification (germline): Uncertain significance (1 of 4 stars; one submission).

Allele frequency attached by ClinVar (database versions not stated): gnomAD exomes below 0.00001.
gnomAD v4.1: 1 of 1,614,150 alleles (0.000062%); highest among the groups gnomAD compares: South Asian, 0.0011%; no homozygotes.

Submission:

Labcorp Genetics (formerly Invitae), Labcorp
Classification: Uncertain significance. Last evaluated: 2024-12-06. Review status: criteria provided, single submitter. Criteria: Invitae Variant Classification Sherloc (09022015). Collection method: clinical testing. Allele origin: germline.
Comment: This sequence change replaces threonine, which is neutral and polar, with serine, which is neutral and polar, at codon 263 of the TWNK protein (p.Thr263Ser). This variant is not present in population databases (gnomAD no frequency). This missense change has been observed in individual(s) with clinical features of mitochondrial DNA depletion syndrome (internal data). ClinVar contains an entry for this variant (Variation ID: 2804656). Invitae Evidence Modeling of protein sequence and biophysical properties (such as structural, functional, and spatial information, amino acid conservation, physicochemical variation, residue mobility, and thermodynamic stability) indicates that this missense variant is expected to disrupt TWNK protein function with a positive predictive value of 95%. In summary, the available evidence is currently insufficient to determine the role of this variant in disease. Therefore, it has been classified as a Variant of Uncertain Significance.